The following is an entry in ClinVar:

NM_018718.3(CEP41):c.278A>G (p.Asp93Gly)

Gene: CEP41 (centrosomal protein 41; minus strand). Cytogenetic location: 7q32.2.
Variant type: single nucleotide variant.
Coding change: c.278A>G on transcript NM_018718.3 (MANE Select); coding-DNA position 278, A replaced by G.
Protein change: p.Asp93Gly; replaces aspartic acid 93 with glycine.
Molecular consequence: missense variant. On other transcripts: non-coding transcript variant (1).
Genome position (GRCh38, 1-based): chr7:130,404,708, T>C on the plus strand (A>G on the coding strand, the complement: CEP41 is on the minus strand). VCF-style: chr7-130404708-T-C. GRCh37 (hg19) VCF-style: chr7-130044549-T-C.
Other names: c.278A>G, p.Asp93Gly (NM_001257158.2); c.230A>G, p.Asp77Gly (NM_001257159.2); short protein forms D77G, D93G.
Identifiers: ClinVar variation 947908 (VCV000947908.9), dbSNP rs1554417870, ClinGen allele CA369289462.

ClinVar aggregate classification (germline): Uncertain significance (1 of 4 stars; one submission).

Conditions:
Joubert syndrome 15 (JBTS15). Identifiers: Orphanet 475, MedGen C3280897, MONDO:0013763, OMIM 614464.

Allele frequency attached by ClinVar (database versions not stated): gnomAD exomes 0.00001.
gnomAD v4.1: 2 of 1,606,404 alleles (0.00012%); highest among the groups gnomAD compares: Admixed American, 0.0033%; no homozygotes.

Submission:

Labcorp Genetics (formerly Invitae), Labcorp
Classification: Uncertain significance for Joubert syndrome 15. Last evaluated: 2025-03-31. Review status: criteria provided, single submitter. Criteria: Invitae Variant Classification Sherloc (09022015). Collection method: clinical testing. Allele origin: germline.
Comment: This sequence change replaces aspartic acid, which is acidic and polar, with glycine, which is neutral and non-polar, at codon 93 of the CEP41 protein (p.Asp93Gly). This variant is present in population databases (no rsID available, gnomAD 0.006%). This variant has not been reported in the literature in individuals affected with CEP41-related conditions. ClinVar contains an entry for this variant (Variation ID: 947908). An algorithm developed to predict the effect of missense changes on protein structure and function (PolyPhen-2) suggests that this variant is likely to be tolerated. In summary, the available evidence is currently insufficient to determine the role of this variant in disease. Therefore, it has been classified as a Variant of Uncertain Significance.